The following is an entry in ClinVar:

ClinVar aggregate classification (germline): Uncertain significance (1 of 4 stars; one submission).

gnomAD v4.1: 1 of 1,604,724 alleles (0.000062%); highest among the groups gnomAD compares: Non-Finnish European, 0.000085%; no homozygotes.

Submission:

Labcorp Genetics (formerly Invitae), Labcorp
Classification: Uncertain significance. Last evaluated: 2024-10-24. Review status: criteria provided, single submitter. Criteria: Invitae Variant Classification Sherloc (09022015). Collection method: clinical testing. Allele origin: germline.
Comment: This sequence change replaces aspartic acid, which is acidic and polar, with asparagine, which is neutral and polar, at codon 983 of the COL4A4 protein (p.Asp983Asn). This variant is not present in population databases (gnomAD no frequency). This variant has not been reported in the literature in individuals affected with COL4A4-related conditions. Invitae Evidence Modeling of protein sequence and biophysical properties (such as structural, functional, and spatial information, amino acid conservation, physicochemical variation, residue mobility, and thermodynamic stability) indicates that this missense variant is not expected to disrupt COL4A4 protein function with a negative predictive value of 95%. In summary, the available evidence is currently insufficient to determine the role of this variant in disease. Therefore, it has been classified as a Variant of Uncertain Significance.

NM_000092.5(COL4A4):c.2947G>A (p.Asp983Asn)

Gene: COL4A4 (collagen type IV alpha 4 chain; minus strand). Cytogenetic location: 2q36.3.
Variant type: single nucleotide variant.
Coding change: c.2947G>A on transcript NM_000092.5 (MANE Select); coding-DNA position 2947, G replaced by A.
Protein change: p.Asp983Asn; replaces aspartic acid 983 with asparagine.
Molecular consequence: missense variant.
Genome position (GRCh38, 1-based): chr2:227,052,326, C>T on the plus strand (G>A on the coding strand, the complement: COL4A4 is on the minus strand). VCF-style: chr2-227052326-C-T. GRCh37 (hg19) VCF-style: chr2-227917042-C-T.
Other names: short protein forms D983N.
Identifiers: ClinVar variation 3693966 (VCV003693966.2).